The following is an entry in ClinVar:

ClinVar aggregate classification (germline): Uncertain significance (1 of 4 stars; one submission).

Submission:

Labcorp Genetics (formerly Invitae), Labcorp
Classification: Uncertain significance. Last evaluated: 2023-03-02. Review status: criteria provided, single submitter. Criteria: Invitae Variant Classification Sherloc (09022015). Collection method: clinical testing. Allele origin: germline.
Comment: In summary, the available evidence is currently insufficient to determine the role of this variant in disease. Therefore, it has been classified as a Variant of Uncertain Significance. Experimental studies and prediction algorithms are not available or were not evaluated, and the functional significance of this variant is currently unknown. This variant has not been reported in the literature in individuals affected with TNFRSF6B-related conditions. This variant is not present in population databases (gnomAD no frequency). This sequence change creates a premature translational stop signal (p.Gly55Argfs*45) in the TNFRSF6B gene. It is expected to result in an absent or disrupted protein product. However, the current clinical and genetic evidence is not sufficient to establish whether loss-of-function variants in TNFRSF6B cause disease.

NM_003823.4(TNFRSF6B):c.161dup (p.Gly55fs)

Genes: RTEL1-TNFRSF6B (RTEL1-TNFRSF6B readthrough (NMD candidate); plus strand), TNFRSF6B (TNF receptor superfamily member 6b; plus strand). Cytogenetic location: 20q13.33.
Variant type: Duplication.
Coding change: c.161dup on transcript NM_003823.4 (MANE Select); coding-DNA position 161, one base duplicated (C; older notation c.161dupC).
Protein change: p.Gly55fs; shifts the reading frame from glycine 55.
Molecular consequence: frameshift variant. On other transcripts: non-coding transcript variant (1).
Genome position (GRCh38, 1-based): chr20:63,696,928, C duplicated; the last of 6 consecutive C bases (chr20:63,696,923-63,696,928); duplicating any one gives the same sequence. VCF-style (leftmost placement, unchanged base first): chr20-63696922-G-GC. GRCh37 (hg19) VCF-style: chr20-62328275-G-GC.
Other names: short protein forms G55fs.
Identifiers: ClinVar variation 2788971 (VCV002788971.3), dbSNP rs754718190, ClinGen allele CA636615686.
Genomic context (GRCh38, chr20:63,696,922, plus strand): 5'-AAACACCCACCTACCCCTGGCGGGACGCAGAGACAGGGGAGCGGCTGGTGTGCGCCCAGT[G>GC]CCCCCCAGGCACCTTTGTGCAGCGGCCGTGCCGCCGAGACAGCCCCACGACGTGTGGCCC-3'